The following is an entry in ClinVar:

NM_000070.3(CAPN3):c.1951C>T (p.Gln651Ter)

Gene: CAPN3 (calpain 3; plus strand). Cytogenetic location: 15q15.1.
Variant type: single nucleotide variant.
Coding change: c.1951C>T on transcript NM_000070.3 (MANE Select); coding-DNA position 1951, C replaced by T.
Protein change: p.Gln651Ter; replaces glutamine 651 with a stop codon.
Molecular consequence: nonsense. On other transcripts: 5 prime UTR variant (2).
Genome position (GRCh38, 1-based): chr15:42,409,339, C>T. VCF-style: chr15-42409339-C-T. GRCh37 (hg19) VCF-style: chr15-42701537-C-T.
Other names: c.1933C>T, p.Gln645Ter (NM_024344.2); c.1675C>T, p.Gln559Ter (NM_173087.2); c.415C>T, p.Gln139Ter (NM_173088.2); c.-45C>T (NM_173089.2, NM_173090.2); short protein forms Q645*, Q651*, Q139*, Q559*.
Identifiers: ClinVar variation 3646249 (VCV003646249.3).

ClinVar aggregate classification (germline): Pathogenic. Review status: criteria provided, multiple submitters, no conflicts (2 of 4 stars). 2 submissions from 2 submitters: Pathogenic (2). Last evaluated 2026-06-11.

Conditions:
Autosomal recessive limb-girdle muscular dystrophy type 2A (LGMDR1). Also called: Limb-girdle muscular dystrophy, type 2A; Calpainopathy; Muscular dystrophy, limb-girdle, type 2A, Amish; LEYDEN-MOEBIUS MUSCULAR DYSTROPHY; MUSCULAR DYSTROPHY, PELVOFEMORAL. Identifiers: Orphanet 267, MedGen C1869123, MONDO:0009675, OMIM 253600. Disease mechanism: loss of function.

gnomAD v4.1: 1 of 1,614,218 alleles (0.000062%); highest among the groups gnomAD compares: Non-Finnish European, 0.000085%; no homozygotes.

Submissions (2):

Myriad Genetics, Inc.
Classification: Pathogenic for Autosomal recessive limb-girdle muscular dystrophy type 2A. Last evaluated: 2026-06-11. Review status: criteria provided, single submitter. Criteria: Myriad Autosomal Dominant, Autosomal Recessive and X-Linked Classification Criteria (2023). Collection method: clinical testing. Allele origin: unknown.
Comment: NM_000070.2(CAPN3):c.1951C>T(Q651*) is a nonsense variant classified as pathogenic in the context of calpainopathy. Q651* has not been observed in cases with relevant disease. Relevant functional assessments of this variant are not available in the literature. Q651* has not been observed in referenced population frequency databases. In summary, NM_000070.2(CAPN3):c.1951C>T(Q651*) is a nonsense variant in a gene where loss of function is a known mechanism of disease and is predicted to disrupt protein function. Please note: this variant was assessed in the context of healthy population screening.

Labcorp Genetics (formerly Invitae), Labcorp
Classification: Pathogenic for Autosomal recessive limb-girdle muscular dystrophy type 2A. Last evaluated: 2024-11-05. Review status: criteria provided, single submitter. Criteria: Invitae Variant Classification Sherloc (09022015). Collection method: clinical testing. Allele origin: germline.
Comment: This sequence change creates a premature translational stop signal (p.Gln651*) in the CAPN3 gene. It is expected to result in an absent or disrupted protein product. Loss-of-function variants in CAPN3 are known to be pathogenic (PMID: 10330340, 15689361). This variant is not present in population databases (gnomAD no frequency). This variant has not been reported in the literature in individuals affected with CAPN3-related conditions. Algorithms developed to predict the effect of sequence changes on RNA splicing suggest that this variant may disrupt the consensus splice site. For these reasons, this variant has been classified as Pathogenic.

Literature cited by the submitters: PubMed 10330340 (cited by Labcorp Genetics (formerly Invitae), Labcorp); PubMed 15689361 (cited by Labcorp Genetics (formerly Invitae), Labcorp).